The following is an entry in ClinVar:

ClinVar aggregate classification (germline): Likely benign (1 of 4 stars; one submission).

Allele frequency attached by ClinVar (database versions not stated): 1000 Genomes Project 0.00020; ExAC 0.00007; gnomAD 0.00009 and 0.00010; gnomAD exomes 0.00010; TOPMed 0.00011; 1000 Genomes Project 30x 0.00016.
gnomAD v4.1: 113 of 1,614,058 alleles (0.007%); highest among the groups gnomAD compares: Admixed American, 0.013%; 1 homozygote.

Submission:

CeGaT Center for Human Genetics Tuebingen
Classification: Likely benign. Last evaluated: 2024-09-01. Review status: criteria provided, single submitter. Criteria: CeGaT Center For Human Genetics Tuebingen Variant Classification Criteria Version 2. Collection method: clinical testing. Allele origin: germline. Affected: yes. Observed: 2 variant alleles.
Comment: CIC: BP4, BP7

NM_001386298.1(CIC):c.5727C>T (p.Ser1909=)

Gene: CIC (capicua transcriptional repressor; plus strand). Cytogenetic location: 19q13.2.
Variant type: single nucleotide variant.
Coding change: c.5727C>T on transcript NM_001386298.1 (MANE Select); coding-DNA position 5727, C replaced by T.
Protein change: p.Ser1909=; no amino-acid change (serine 1909 retained).
Molecular consequence: synonymous variant.
Genome position (GRCh38, 1-based): chr19:42,292,199, C>T. VCF-style: chr19-42292199-C-T. GRCh37 (hg19) VCF-style: chr19-42796351-C-T.
Other names: c.5727C>T, p.Ser1909= (NM_001304815.2, NM_001379480.1, NM_001379482.1); c.3000C>T, p.Ser1000= (NM_001379484.1, NM_001379485.1, NM_015125.5).
Identifiers: ClinVar variation 1298770 (VCV001298770.35), dbSNP rs546461527, ClinGen allele CA9472451.